The following is an entry in ClinVar:

NM_012096.3(APPL1):c.1060A>G (p.Ile354Val)

Gene: APPL1 (adaptor protein, phosphotyrosine interacting with PH domain and leucine zipper 1; plus strand). Cytogenetic location: 3p14.3.
Variant type: single nucleotide variant.
Coding change: c.1060A>G on transcript NM_012096.3 (MANE Select); coding-DNA position 1060, A replaced by G.
Protein change: p.Ile354Val; replaces isoleucine 354 with valine.
Molecular consequence: missense variant.
Genome position (GRCh38, 1-based): chr3:57,252,276, A>G. VCF-style: chr3-57252276-A-G. GRCh37 (hg19) VCF-style: chr3-57286304-A-G.
Other names: short protein forms I354V.
Identifiers: ClinVar variation 1384638 (VCV001384638.8), dbSNP rs371514647, ClinGen allele CA2463700.

ClinVar aggregate classification (germline): Uncertain significance (1 of 4 stars; one submission).

Allele frequency attached by ClinVar (database versions not stated): ExAC 0.00004; gnomAD 0.00004 and 0.00005; gnomAD exomes 0.00004 and 0.00007; ESP Exome Variant Server 0.00008; TOPMed 0.00008.
gnomAD v4.1: 60 of 1,609,338 alleles (0.0037%); highest among the groups gnomAD compares: African/African-American, 0.004%; no homozygotes.

Submission:

Labcorp Genetics (formerly Invitae), Labcorp
Classification: Uncertain significance. Last evaluated: 2025-03-10. Review status: criteria provided, single submitter. Criteria: Invitae Variant Classification Sherloc (09022015). Collection method: clinical testing. Allele origin: germline.
Comment: This sequence change replaces isoleucine, which is neutral and non-polar, with valine, which is neutral and non-polar, at codon 354 of the APPL1 protein (p.Ile354Val). This variant is present in population databases (rs371514647, gnomAD 0.1%), and has an allele count higher than expected for a pathogenic variant. This variant has not been reported in the literature in individuals affected with APPL1-related conditions. ClinVar contains an entry for this variant (Variation ID: 1384638). Invitae Evidence Modeling of protein sequence and biophysical properties (such as structural, functional, and spatial information, amino acid conservation, physicochemical variation, residue mobility, and thermodynamic stability) indicates that this missense variant is not expected to disrupt APPL1 protein function with a negative predictive value of 80%. In summary, the available evidence is currently insufficient to determine the role of this variant in disease. Therefore, it has been classified as a Variant of Uncertain Significance.